The following is an entry in ClinVar:

NM_001267550.2(TTN):c.47248G>A (p.Val15750Ile)

Genes: TTN (titin; minus strand), TTN-AS1 (TTN antisense RNA 1; plus strand). Cytogenetic location: 2q31.2.
Variant type: single nucleotide variant.
Coding change: c.47248G>A on transcript NM_001267550.2 (MANE Select); coding-DNA position 47248, G replaced by A.
Protein change: p.Val15750Ile; replaces valine 15750 with isoleucine.
Molecular consequence: missense variant.
Genome position (GRCh38, 1-based): chr2:178,618,210, C>T on the plus strand (G>A on the coding strand, the complement: TTN is on the minus strand). VCF-style: chr2-178618210-C-T. GRCh37 (hg19) VCF-style: chr2-179482937-C-T.
Other names: p.V13182I:GTA>ATA; c.42325G>A, p.Val14109Ile (NM_001256850.1); c.20053G>A, p.Val6685Ile (NM_003319.4); c.39544G>A, p.Val13182Ile (NM_133378.4); c.20428G>A, p.Val6810Ile (NM_133432.3); c.20629G>A, p.Val6877Ile (NM_133437.4); short protein forms V15750I, V13182I, V14109I, V6685I, V6810I, V6877I.
Identifiers: ClinVar variation 47008 (VCV000047008.87), dbSNP rs72677232, ClinGen allele CA139752.
Genomic context (GRCh38, chr2:178,618,210, plus strand): 5'-TACTTAAAAGCTAACTTGAATTTACTTAAAACTTCTTACCATATTTACTCCTTGCTTCTA[C>T]AGGATTGTCAGTTTCTACTGGCTCACCAGTGCCAACTCTGTTTCTTGCACTCACACGGAA-3'
Protein context (NP_001254479.2, residues 15740-15760): TGEPVETDNP[Val15750Ile]EARSKYDVPG

ClinVar aggregate classification (germline): Benign/Likely benign. Review status: criteria provided, multiple submitters, no conflicts (2 of 4 stars). 15 submissions from 15 submitters: Benign (4); Likely benign (8). 3 of the submissions do not count toward it. Last evaluated 2026-07-01.

Conditions:
TTN-related disorder. Also called: TTN-related disorders; TTN-related condition; TTN-related disease.
Cardiovascular phenotype. Identifiers: MedGen CN230736.
Autosomal recessive limb-girdle muscular dystrophy type 2J (LGMDR10). Also called: MUSCULAR DYSTROPHY, LIMB-GIRDLE, AUTOSOMAL RECESSIVE 10; Limb-girdle muscular dystrophy, type 2J. Identifiers: Orphanet 140922, MedGen C1837342, MONDO:0012127, OMIM 608807.
Dilated cardiomyopathy 1G (CMD1G). Identifiers: Orphanet 154, MedGen C1858763, MONDO:0011400, OMIM 604145.
Limb-girdle muscular dystrophy (LGMD). Also called: Muscular Dystrophies, Limb-Girdle. Identifiers: Orphanet 263, MedGen C0686353, MeSH D049288, MONDO:0016971, HP:0006785.
Cardiomyopathy (CMYO). Also called: Cardiomyopathies. Identifiers: Orphanet 167848, MedGen C0878544, MONDO:0004994, HP:0001638. Inheritance: Various modes of inheritance.

Allele frequency attached by ClinVar (database versions not stated): 1000 Genomes Project 30x 0.00047; ExAC 0.00157; gnomAD 0.00202 and 0.00172; gnomAD exomes 0.00156; 1000 Genomes Project 0.00060; TOPMed 0.00189; ESP Exome Variant Server 0.00183.
gnomAD v4.1: 4,466 of 1,612,602 alleles (0.28%); highest among the groups gnomAD compares: Non-Finnish European, 0.36%; 10 homozygotes.

Submissions (15):

CeGaT Center for Human Genetics Tuebingen
Classification: Likely benign. Last evaluated: 2026-07-01. Review status: criteria provided, single submitter. Criteria: CeGaT Center For Human Genetics Tuebingen Variant Classification Criteria Version 2. Collection method: clinical testing. Allele origin: germline. Affected: yes. Observed: 15 variant alleles.
Comment: TTN: BP4

Labcorp Genetics (formerly Invitae), Labcorp
Classification: Likely benign for Dilated cardiomyopathy 1G; Autosomal recessive limb-girdle muscular dystrophy type 2J. Last evaluated: 2026-02-02. Review status: criteria provided, single submitter. Criteria: Invitae Variant Classification Sherloc (09022015). Collection method: clinical testing. Allele origin: germline.

Molecular Diagnostic Laboratory for Inherited Cardiovascular Disease, Montreal Heart Institute
Classification: Likely benign. Last evaluated: 2025-04-09. Review status: criteria provided, single submitter. Criteria: ACMG Guidelines, 2015. Collection method: clinical testing. Allele origin: germline. Affected: no.

ARUP Laboratories, Molecular Genetics and Genomics, ARUP Laboratories
Classification: Benign. Last evaluated: 2025-03-05. Review status: criteria provided, single submitter. Criteria: ARUP Molecular Germline Variant Investigation Process 2024. Collection method: clinical testing. Allele origin: germline.

Blueprint Genetics
Classification: Likely benign. Last evaluated: 2024-11-20. Review status: criteria provided, single submitter. Criteria: ACMG Guidelines, 2015. Collection method: clinical testing. Allele origin: germline.

CHEO Genetics Diagnostic Laboratory, Children's Hospital of Eastern Ontario
Classification: Benign for Cardiomyopathy. Last evaluated: 2023-03-21. Review status: criteria provided, single submitter. Criteria: ACMG Guidelines, 2015. Collection method: clinical testing. Allele origin: germline. Study: Canadian Open Genetics Repository.

Women's Health and Genetics/Laboratory Corporation of America, LabCorp
Classification: Benign. Last evaluated: 2023-03-01. Review status: criteria provided, single submitter. Criteria: LabCorp Variant Classification Summary - May 2015. Collection method: clinical testing. Allele origin: germline.
Comment: Variant summary: TTN c.39544G>A (p.Val13182Ile) results in a conservative amino acid change located in the A-band region of the encoded protein sequence. Three of five in-silico tools predict a benign effect of the variant on protein function. The variant allele was found at a frequency of 0.0016 in 247926 control chromosomes, predominantly at a frequency of 0.0031 within the Non-Finnish European subpopulation in the gnomAD database. The observed variant frequency within Non-Finnish European control individuals in the gnomAD database is approximately 8 fold of the estimated maximal expected allele frequency for a pathogenic variant in TTN causing Dilated Cardiomyopathy phenotype (0.00039), strongly suggesting that the variant is a benign polymorphism found primarily in populations of Non-Finnish European origin. Although the variant, c.39544G>A, has been reported in the literature in individuals affected with hypertrophic cardiomyopathy, sudden unexplained death and various other phenotypes (e.g. Lopes_2013, Stewart_2014, Campuzano_2015, Ratnapriya_2020), no supporting evidence for causality was provided. These reports do not provide unequivocal conclusions about association of the variant with Dilated Cardiomyopathy. To our knowledge, no experimental evidence demonstrating an impact on protein function has been reported. Eleven other ClinVar submitters (evaluation after 2014) cite the variant as likely pathogenic (n=1), uncertain significance (n=3), likely benign (n=5), and benign (n=2). Based on the evidence outlined above, the variant was classified as benign.

GeneDx
Classification: Likely benign. Last evaluated: 2021-02-04. Review status: criteria provided, single submitter. Criteria: GeneDx Variant Classification Process June 2021. Collection method: clinical testing. Allele origin: germline. Affected: yes.
Comment: This variant is associated with the following publications: (PMID: 17344846, 23396983, 24892279, 23861362)

Athena Diagnostics
Classification: Benign. Last evaluated: 2019-06-24. Review status: criteria provided, single submitter. Criteria: Athena Diagnostics Criteria. Collection method: clinical testing. Allele origin: germline.

Ambry Genetics
Classification: Likely benign for Cardiovascular phenotype. Last evaluated: 2018-12-14. Review status: criteria provided, single submitter. Criteria: Ambry Variant Classification Scheme 2023. Collection method: clinical testing. Allele origin: germline.

Laboratory for Molecular Medicine, Mass General Brigham Personalized Medicine
Classification: Likely benign. Last evaluated: 2015-01-26. Review status: criteria provided, single submitter. Criteria: LMM Criteria. Collection method: clinical testing. Allele origin: germline. Observed: 10 variant alleles.
Comment: p.Val13182Ile in exon 201 of TTN: This variant is not expected to have clinical significance because it has been identified in 0.3% (172/67614) of European chro mosomes by the Exome Aggregation Consortium (ExAC, g; dbSNP rs72677232).

Biesecker Lab/Clinical Genomics Section, National Institutes of Health
Classification: Likely benign. Last evaluated: 2013-06-24. Review status: criteria provided, single submitter. Criteria: Ng et al. (Circ Cardiovasc Genet. 2013). Collection method: research. Allele origin: unknown. Observed: 3 variant alleles. Study: ClinSeq.
Comment: The study set was not selected for affection status in relation to any cancer. Pathogenicity categories were based on literature curation. See Pubmed ID:23861362 for details.

Medical sequencing

PreventionGenetics, part of Exact Sciences
Classification: Likely benign for TTN-related condition. Last evaluated: 2021-02-10. Review status: no assertion criteria provided. Collection method: clinical testing. Allele origin: germline. Not counted in ClinVar's aggregate classification.
Comment: This variant is classified as likely benign based on ACMG/AMP sequence variant interpretation guidelines (Richards et al. 2015 PMID: 25741868, with internal and published modifications).

Dr. Alfred Bastarche Laboratory, Dr. Georges L. Dumont University Hospital Centre
Classification: Likely pathogenic for Limb-girdle muscular dystrophy. Last evaluated: 2018-10-18. Review status: flagged submission. Collection method: clinical testing, case-control. Allele origin: germline. Inheritance: Autosomal recessive inheritance. Affected: yes and no. Observed: 3 variant alleles, 2 heterozygotes, 1 homozygote. Clinical features observed: Limb-girdle muscular dystrophy (HP:0006785). Not counted in ClinVar's aggregate classification.
ClinVar note: Reason: Outlier claim with insufficient supporting evidence

Eurofins Ntd Llc (ga)
Classification: Uncertain significance. Last evaluated: 2015-09-28. Review status: flagged submission. Criteria: EGL Classification Definitions 2015. Collection method: clinical testing. Allele origin: germline. Observed: 14 variant alleles, 14 heterozygotes. Not counted in ClinVar's aggregate classification.
ClinVar note: Reason: Older and outlier claim with insufficient supporting evidence

Literature cited by the submitters: PubMed 23396983 (cited by Women's Health and Genetics/Laboratory Corporation of America, LabCorp); PubMed 26516846 (cited by Women's Health and Genetics/Laboratory Corporation of America, LabCorp); PubMed 32246154 (cited by Women's Health and Genetics/Laboratory Corporation of America, LabCorp); PubMed 24892279 (cited by 3 submitters); PubMed 23861362 (cited by Athena Diagnostics and Laboratory for Molecular Medicine, Mass General Brigham Personalized Medicine).